The following is an entry in ClinVar:

NM_001286577.2(C2CD3):c.5361+4T>C

Gene: C2CD3 (C2 domain containing 3 centriole elongation regulator; minus strand). Cytogenetic location: 11q13.4.
Variant type: single nucleotide variant.
Coding change: c.5361+4T>C on transcript NM_001286577.2 (MANE Select); 4 bases into the intron after coding-DNA position 5361, T replaced by C.
Molecular consequence: intron variant.
Genome position (GRCh38, 1-based): chr11:74,049,333, A>G on the plus strand (T>C on the coding strand, the complement: C2CD3 is on the minus strand). VCF-style: chr11-74049333-A-G. GRCh37 (hg19) VCF-style: chr11-73760378-A-G.
Other names: c.5361+4T>C (NM_015531.6).
Identifiers: ClinVar variation 1962513 (VCV001962513.4), dbSNP rs762028403, ClinGen allele CA6181915.
Genomic context (GRCh38, chr11:74,049,333, plus strand): 5'-TAAAGGATGTTCTTATAGGTCAGTACAATTCGTATTGGTTAGGGATGTGAATCTCCATAC[A>G]TACCAGTGATTTTGAGGTCTCCACTCCACGCCTTGCTTGCCTTTCTTCTTTGAAGTGTAT-3'

ClinVar aggregate classification (germline): Uncertain significance (1 of 4 stars; one submission).

Allele frequency attached by ClinVar (database versions not stated): ExAC 0.00001.
gnomAD v4.1: 4 of 1,612,578 alleles (0.00025%); highest among the groups gnomAD compares: Admixed American, 0.0017%; no homozygotes.

Submission:

Labcorp Genetics (formerly Invitae), Labcorp
Classification: Uncertain significance. Last evaluated: 2024-12-09. Review status: criteria provided, single submitter. Criteria: Invitae Variant Classification Sherloc (09022015). Collection method: clinical testing. Allele origin: germline.
Comment: This sequence change falls in intron 27 of the C2CD3 gene. It does not directly change the encoded amino acid sequence of the C2CD3 protein. It affects a nucleotide within the consensus splice site. This variant is present in population databases (rs762028403, gnomAD 0.007%). This variant has not been reported in the literature in individuals affected with C2CD3-related conditions. ClinVar contains an entry for this variant (Variation ID: 1962513). Variants that disrupt the consensus splice site are a relatively common cause of aberrant splicing (PMID: 17576681, 9536098). Algorithms developed to predict the effect of sequence changes on RNA splicing suggest that this variant is not likely to affect RNA splicing. In summary, the available evidence is currently insufficient to determine the role of this variant in disease. Therefore, it has been classified as a Variant of Uncertain Significance.

Literature cited by the submitters: PubMed 17576681; PubMed 9536098.